The following is an entry in ClinVar:

ClinVar aggregate classification (germline): Uncertain significance (1 of 4 stars; one submission).

Allele frequency attached by ClinVar (database versions not stated): gnomAD exomes 0.00002; TOPMed 0.00002; ExAC 0.00006; gnomAD 0.00007; ESP Exome Variant Server 0.00008; 1000 Genomes Project 30x 0.00047; 1000 Genomes Project 0.00060.
gnomAD v4.1: 41 of 1,613,166 alleles (0.0025%); highest among the groups gnomAD compares: Middle Eastern, 0.017%; 1 homozygote.

Submission:

Labcorp Genetics (formerly Invitae), Labcorp
Classification: Uncertain significance. Last evaluated: 2022-06-12. Review status: criteria provided, single submitter. Criteria: Invitae Variant Classification Sherloc (09022015). Collection method: clinical testing. Allele origin: germline.
Comment: In summary, the available evidence is currently insufficient to determine the role of this variant in disease. Therefore, it has been classified as a Variant of Uncertain Significance. Algorithms developed to predict the effect of missense changes on protein structure and function are either unavailable or do not agree on the potential impact of this missense change (SIFT: "Deleterious"; PolyPhen-2: "Probably Damaging"; Align-GVGD: "Class C0"). This variant has not been reported in the literature in individuals affected with ADCY1-related conditions. This variant is present in population databases (rs143601874, gnomAD 0.02%). This sequence change replaces arginine, which is basic and polar, with tryptophan, which is neutral and slightly polar, at codon 536 of the ADCY1 protein (p.Arg536Trp).

NM_021116.4(ADCY1):c.1606C>T (p.Arg536Trp)

Gene: ADCY1 (adenylate cyclase 1; plus strand). Cytogenetic location: 7p12.3.
Variant type: single nucleotide variant.
Coding change: c.1606C>T on transcript NM_021116.4 (MANE Select); coding-DNA position 1606, C replaced by T.
Protein change: p.Arg536Trp; replaces arginine 536 with tryptophan.
Molecular consequence: missense variant.
Genome position (GRCh38, 1-based): chr7:45,677,869, C>T. VCF-style: chr7-45677869-C-T. GRCh37 (hg19) VCF-style: chr7-45717468-C-T.
Other names: short protein forms R536W.
Identifiers: ClinVar variation 1903112 (VCV001903112.5), dbSNP rs143601874, ClinGen allele CA4249001.